The following is an entry in ClinVar:

NM_001851.6(COL9A1):c.1218T>G (p.Asp406Glu)

Gene: COL9A1 (collagen type IX alpha 1 chain; minus strand). Cytogenetic location: 6q13.
Variant type: single nucleotide variant.
Coding change: c.1218T>G on transcript NM_001851.6 (MANE Select); coding-DNA position 1218, T replaced by G.
Protein change: p.Asp406Glu; replaces aspartic acid 406 with glutamic acid.
Molecular consequence: missense variant. On other transcripts: non-coding transcript variant (1).
Genome position (GRCh38, 1-based): chr6:70,269,645, A>C on the plus strand (T>G on the coding strand, the complement: COL9A1 is on the minus strand). VCF-style: chr6-70269645-A-C. GRCh37 (hg19) VCF-style: chr6-70979348-A-C.
Other names: c.489T>G, p.Asp163Glu (NM_001377289.1, NM_001377290.1, NM_078485.4); short protein forms D163E, D406E.
Identifiers: ClinVar variation 1321591 (VCV001321591.2), dbSNP rs909640170, ClinGen allele CA364680962.

ClinVar aggregate classification (germline): Uncertain significance (1 of 4 stars; one submission).

Submission:

GeneDx
Classification: Uncertain significance. Last evaluated: 2021-05-10. Review status: criteria provided, single submitter. Criteria: GeneDx Variant Classification Process June 2021. Collection method: clinical testing. Allele origin: germline. Affected: yes.
Comment: Has not been previously published as pathogenic or benign to our knowledge; Not observed in large population cohorts (Lek et al., 2016); In silico analysis supports that this missense variant does not alter protein structure/function